The following is an entry in ClinVar:

NM_031475.3(ESPN):c.95G>A (p.Arg32His)

Gene: ESPN (espin; plus strand). Cytogenetic location: 1p36.31.
Variant type: single nucleotide variant.
Coding change: c.95G>A on transcript NM_031475.3 (MANE Select); coding-DNA position 95, G replaced by A.
Protein change: p.Arg32His; replaces arginine 32 with histidine.
Molecular consequence: missense variant.
Genome position (GRCh38, 1-based): chr1:6,425,050, G>A. VCF-style: chr1-6425050-G-A. GRCh37 (hg19) VCF-style: chr1-6485110-G-A.
Other names: c.95G>A, p.Arg32His (NM_001367473.1, NM_001367474.1); c.95G>A (NM_031475.2); short protein forms R32H.
Identifiers: ClinVar variation 1373960 (VCV001373960.9), dbSNP rs1006453315, ClinGen allele CA17192721.

ClinVar aggregate classification (germline): Uncertain significance. Review status: criteria provided, multiple submitters, no conflicts (2 of 4 stars). 4 submissions from 4 submitters: Uncertain significance (4). Last evaluated 2025-09-18.

Allele frequency attached by ClinVar (database versions not stated): gnomAD exomes 0.00002 and 0.00004; 1000 Genomes Project 30x 0.00016; gnomAD 0.00018 and 0.00019; TOPMed 0.00018.
gnomAD v4.1: 83 of 1,469,266 alleles (0.0056%); highest among the groups gnomAD compares: African/African-American, 0.075%; no homozygotes.

Submissions (4):

GeneDx
Classification: Uncertain significance. Last evaluated: 2025-09-18. Review status: criteria provided, single submitter. Criteria: GeneDx Variant Classification Process June 2021. Collection method: clinical testing. Allele origin: germline.
Comment: In silico analysis suggests that this missense variant does not alter protein structure/function; Has not been previously published as pathogenic or benign to our knowledge

Blueprint Genetics
Classification: Uncertain significance. Last evaluated: 2024-06-24. Review status: criteria provided, single submitter. Criteria: ACMG Guidelines, 2015. Collection method: clinical testing. Allele origin: germline.

Labcorp Genetics (formerly Invitae), Labcorp
Classification: Uncertain significance. Last evaluated: 2022-07-05. Review status: criteria provided, single submitter. Criteria: Invitae Variant Classification Sherloc (09022015). Collection method: clinical testing. Allele origin: germline.
Comment: This sequence change replaces arginine, which is basic and polar, with histidine, which is basic and polar, at codon 32 of the ESPN protein (p.Arg32His). This variant is present in population databases (no rsID available, gnomAD 0.04%). This variant has not been reported in the literature in individuals affected with ESPN-related conditions. ClinVar contains an entry for this variant (Variation ID: 1373960). Algorithms developed to predict the effect of missense changes on protein structure and function are either unavailable or do not agree on the potential impact of this missense change (SIFT: "Deleterious"; PolyPhen-2: "Probably Damaging"; Align-GVGD: "Class C0"). In summary, the available evidence is currently insufficient to determine the role of this variant in disease. Therefore, it has been classified as a Variant of Uncertain Significance.

Breakthrough Genomics
Classification: Uncertain significance. Review status: criteria provided, single submitter. Criteria: ACMG Guidelines, 2015. Collection method: not provided. Allele origin: germline. Inheritance: Autosomal recessive inheritance. Affected: yes.